The following is an entry in ClinVar:

ClinVar aggregate classification (germline): Benign/Likely benign. Review status: criteria provided, multiple submitters, no conflicts (2 of 4 stars). 3 submissions from 3 submitters: Benign (1); Likely benign (2). Last evaluated 2024-08-31.

Conditions:
Familial adenomatous polyposis 1 (FAP1). Also called: FAMILIAL ADENOMATOUS POLYPOSIS 1, ATTENUATED; POLYPOSIS, ADENOMATOUS INTESTINAL. Identifiers: MedGen C2713442, MONDO:0021056, OMIM 175100. Disease mechanism: loss of function.
Hereditary cancer-predisposing syndrome. Also called: Neoplastic Syndromes, Hereditary; Tumor predisposition; Hereditary Cancer Syndrome; Hereditary neoplastic syndrome. Identifiers: Orphanet 140162, MedGen C0027672, MeSH D009386, MONDO:0015356.

Submissions (3):

Labcorp Genetics (formerly Invitae), Labcorp
Classification: Likely benign for Familial adenomatous polyposis 1. Last evaluated: 2024-08-31. Review status: criteria provided, single submitter. Criteria: Invitae Variant Classification Sherloc (09022015). Collection method: clinical testing. Allele origin: germline.

Myriad Genetics, Inc.
Classification: Benign for Familial adenomatous polyposis 1. Last evaluated: 2024-04-05. Review status: criteria provided, single submitter. Criteria: Myriad Autosomal Dominant, Autosomal Recessive and X-Linked Classification Criteria (2023). Collection method: clinical testing. Allele origin: unknown.
Comment: This variant is considered benign. This variant is a silent/synonymous amino acid change and it is not expected to impact splicing.

Ambry Genetics
Classification: Likely benign for Hereditary cancer-predisposing syndrome. Last evaluated: 2015-06-18. Review status: criteria provided, single submitter. Criteria: Ambry Autosomal Dominant and X-Linked criteria (10/2015). Collection method: clinical testing. Allele origin: germline. Observed: 1 variant allele.

NM_000038.6(APC):c.6549T>G (p.Ser2183=)

Gene: APC (APC regulator of Wnt signaling pathway; plus strand). Cytogenetic location: 5q22.2.
Variant type: single nucleotide variant.
Coding change: c.6549T>G on transcript NM_000038.6 (MANE Select); coding-DNA position 6549, T replaced by G.
Protein change: p.Ser2183=; no amino-acid change (serine 2183 retained).
Molecular consequence: synonymous variant.
Genome position (GRCh38, 1-based): chr5:112,842,143, T>G. VCF-style: chr5-112842143-T-G. GRCh37 (hg19) VCF-style: chr5-112177840-T-G.
Other names: c.6549T>G, p.Ser2183= (NM_001127510.3, NM_001354895.2); c.6495T>G, p.Ser2165= (NM_001127511.3); c.6603T>G, p.Ser2201= (NM_001354896.2); c.6579T>G, p.Ser2193= (NM_001354897.2); c.6474T>G, p.Ser2158= (NM_001354898.2); c.6465T>G, p.Ser2155= (NM_001354899.2); c.6426T>G, p.Ser2142= (NM_001354900.2); c.6372T>G, p.Ser2124= (NM_001354901.2); and 5 more.
Identifiers: ClinVar variation 232381 (VCV000232381.6), dbSNP rs876659728, ClinGen allele CA10578431.